The following is an entry in ClinVar:

ClinVar aggregate classification (germline): Benign/Likely benign. Review status: criteria provided, multiple submitters, no conflicts (2 of 4 stars). 4 submissions from 4 submitters: Benign (1); Likely benign (2). 1 of the submissions does not count toward it. Last evaluated 2024-07-06.

Conditions:
Ectodermal dysplasia and immunodeficiency 2. Identifiers: Orphanet 238468, Orphanet 98813, MedGen C2677481, MONDO:0012806, OMIM 612132.
NFKBIA-related disorder. Also called: NFKBIA-related condition.

Allele frequency attached by ClinVar (database versions not stated): gnomAD below 0.00001 and 0.00001; gnomAD exomes 0.00005 and 0.00010; ExAC 0.00013.
gnomAD v4.1: 78 of 1,584,654 alleles (0.0049%); highest among the groups gnomAD compares: South Asian, 0.083%; 1 homozygote.

Submissions (4):

Labcorp Genetics (formerly Invitae), Labcorp
Classification: Likely benign for Ectodermal dysplasia and immunodeficiency 2. Last evaluated: 2024-07-06. Review status: criteria provided, single submitter. Criteria: Invitae Variant Classification Sherloc (09022015). Collection method: clinical testing. Allele origin: germline.

Blueprint Genetics
Classification: Likely benign. Last evaluated: 2023-12-29. Review status: criteria provided, single submitter. Criteria: ACMG Guidelines, 2015. Collection method: clinical testing. Allele origin: germline.

Illumina Laboratory Services, Illumina
Classification: Benign for Ectodermal dysplasia and immunodeficiency 2. Last evaluated: 2018-01-13. Review status: criteria provided, single submitter. Criteria: ICSL Variant Classification Criteria 13 December 2019. Collection method: clinical testing. Allele origin: germline.
Comment: This variant was observed in the ICSL laboratory as part of a predisposition screen in an ostensibly healthy population. It had not been previously curated by ICSL or reported in the Human Gene Mutation Database (HGMD: prior to June 1st, 2018), and was therefore a candidate for classification through an automated scoring system. Utilizing variant allele frequency, disease prevalence and penetrance estimates, and inheritance mode, an automated score was calculated to assess if this variant is too frequent to cause the disease. Based on the score and internal cut-off values, a variant classified as benign is not then subjected to further curation. The score for this variant resulted in a classification of benign for this disease.

PreventionGenetics, part of Exact Sciences
Classification: Likely benign for NFKBIA-related condition. Last evaluated: 2023-06-23. Review status: no assertion criteria provided. Collection method: clinical testing. Allele origin: germline. Not counted in ClinVar's aggregate classification.
Comment: This variant is classified as likely benign based on ACMG/AMP sequence variant interpretation guidelines (Richards et al. 2015 PMID: 25741868, with internal and published modifications).

NM_020529.3(NFKBIA):c.221G>C (p.Gly74Ala)

Gene: NFKBIA (NFKB inhibitor alpha; minus strand). Cytogenetic location: 14q13.2.
Variant type: single nucleotide variant.
Coding change: c.221G>C on transcript NM_020529.3 (MANE Select); coding-DNA position 221, G replaced by C.
Protein change: p.Gly74Ala; replaces glycine 74 with alanine.
Molecular consequence: missense variant.
Genome position (GRCh38, 1-based): chr14:35,404,424, C>G on the plus strand (G>C on the coding strand, the complement: NFKBIA is on the minus strand). VCF-style: chr14-35404424-C-G. GRCh37 (hg19) VCF-style: chr14-35873630-C-G.
Other names: short protein forms G74A.
Identifiers: ClinVar variation 881868 (VCV000881868.14), dbSNP rs763076696, ClinGen allele CA7155571.